The following is an entry in ClinVar:

ClinVar aggregate classification (germline): Uncertain significance. Review status: criteria provided, multiple submitters, no conflicts (2 of 4 stars). 3 submissions from 3 submitters: Uncertain significance (3). Last evaluated 2025-07-30.

Conditions:
Inborn genetic diseases. Identifiers: MedGen C0950123, MeSH D030342.
Atrioventricular septal defect 5 (AVSD5). Identifiers: MedGen C3280939, MONDO:0013769, OMIM 614474.
Atrial septal defect 9 (ASD9). Identifiers: Orphanet 1478, MedGen C3280943, MONDO:0013770, OMIM 614475.
Conotruncal heart malformations (CTHM). Also called: Conotruncal heart malformations, variable. Identifiers: Orphanet 2445, Orphanet 3384, Orphanet 3426, MedGen C1857586, MONDO:0016581, OMIM 217095.
Tetralogy of Fallot (TOF). Identifiers: Orphanet 3303, MedGen C0039685, MONDO:0008542, OMIM 187500, HP:0001636.
Heart defects, congenital, and other congenital anomalies. Also called: Pancreatic hypoplasia-diabetes-congenital heart disease syndrome; PANCREATIC HYPOPLASIA, CONGENITAL, WITH DIABETES MELLITUS AND CONGENITAL HEART DISEASE. Identifiers: Orphanet 2255, MedGen C2931296, MONDO:0010802, OMIM 600001.

Allele frequency attached by ClinVar (database versions not stated): gnomAD exomes 0.00002; TOPMed 0.00005.

Submissions (3):

Labcorp Genetics (formerly Invitae), Labcorp
Classification: Uncertain significance for Atrioventricular septal defect 5. Last evaluated: 2025-07-30. Review status: criteria provided, single submitter. Criteria: Invitae Variant Classification Sherloc (09022015). Collection method: clinical testing. Allele origin: germline.
Comment: This sequence change replaces methionine, which is neutral and non-polar, with leucine, which is neutral and non-polar, at codon 197 of the GATA6 protein (p.Met197Leu). This variant is present in population databases (no rsID available, gnomAD 0.1%). This variant has not been reported in the literature in individuals affected with GATA6-related conditions. ClinVar contains an entry for this variant (Variation ID: 849672). Invitae Evidence Modeling of protein sequence and biophysical properties (such as structural, functional, and spatial information, amino acid conservation, physicochemical variation, residue mobility, and thermodynamic stability) indicates that this missense variant is not expected to disrupt GATA6 protein function with a negative predictive value of 80%. In summary, the available evidence is currently insufficient to determine the role of this variant in disease. Therefore, it has been classified as a Variant of Uncertain Significance.

Ambry Genetics
Classification: Uncertain significance for Inborn genetic diseases. Last evaluated: 2023-09-22. Review status: criteria provided, single submitter. Criteria: Ambry Variant Classification Scheme 2023. Collection method: clinical testing. Allele origin: germline.

Juno Genomics, Hangzhou Juno Genomics, Inc
Classification: Uncertain significance for Tetralogy of Fallot; Atrial septal defect 9; Atrioventricular septal defect 5; Conotruncal heart malformations; Heart defects, congenital, and other congenital anomalies. Review status: criteria provided, single submitter. Criteria: ACMG Guidelines, 2015. Collection method: clinical testing. Allele origin: germline.
Comment: Absent from controls (or at extremely low frequency if recessive) in Genome Aggregation Database.;Multiple lines of computational evidence support a deleterious effect on the gene or gene product.

NM_005257.6(GATA6):c.589A>C (p.Met197Leu)

Gene: GATA6 (GATA binding protein 6; plus strand). Cytogenetic location: 18q11.2.
Variant type: single nucleotide variant.
Coding change: c.589A>C on transcript NM_005257.6 (MANE Select); coding-DNA position 589, A replaced by C.
Protein change: p.Met197Leu; replaces methionine 197 with leucine.
Molecular consequence: missense variant.
Genome position (GRCh38, 1-based): chr18:22,171,733, A>C. VCF-style: chr18-22171733-A-C. GRCh37 (hg19) VCF-style: chr18-19751694-A-C.
Other names: c.589A>C (NM_005257.3); short protein forms M197L.
Identifiers: ClinVar variation 849672 (VCV000849672.12), dbSNP rs1245355073, ClinGen allele CA401800061.